The following is an entry in ClinVar:

NM_017721.5(CC2D1A):c.2710+1G>C

Gene: CC2D1A (coiled-coil and C2 domain containing 1A; plus strand). Cytogenetic location: 19p13.12.
Variant type: single nucleotide variant.
Coding change: c.2710+1G>C on transcript NM_017721.5 (MANE Select); the canonical splice donor site of the intron after coding-DNA position 2710, G replaced by C.
Molecular consequence: splice donor variant.
Genome position (GRCh38, 1-based): chr19:13,929,661, G>C. VCF-style: chr19-13929661-G-C. GRCh37 (hg19) VCF-style: chr19-14040474-G-C.
Other names: c.2707+1G>C (NM_001411138.1).
Identifiers: ClinVar variation 2749287 (VCV002749287.3), dbSNP rs2513147217, ClinGen allele CA404401774.
Genomic context (GRCh38, chr19:13,929,661, plus strand): 5'-TGCAACGCAGCCAGTGGCAGAGGGCACAGCTGGAGCAGGGGGGTGTGGGCATCCGACGGG[G>C]TAGGGGTTTGGAGATGGGCATCTGGTGGGGGAGGAGCTCCAGGATAGGCATGGGGGGGGA-3'

ClinVar aggregate classification (germline): Likely pathogenic (1 of 4 stars; one submission).

gnomAD v4.1: 3 of 1,536,156 alleles (0.0002%); highest among the groups gnomAD compares: Non-Finnish European, 0.00026%; no homozygotes.

Submission:

Labcorp Genetics (formerly Invitae), Labcorp
Classification: Likely pathogenic. Last evaluated: 2023-08-02. Review status: criteria provided, single submitter. Criteria: Invitae Variant Classification Sherloc (09022015). Collection method: clinical testing. Allele origin: germline.
Comment: In summary, the currently available evidence indicates that the variant is pathogenic, but additional data are needed to prove that conclusively. Therefore, this variant has been classified as Likely Pathogenic. This variant has not been reported in the literature in individuals affected with CC2D1A-related conditions. This variant is not present in population databases (gnomAD no frequency). This sequence change affects a donor splice site in intron 26 of the CC2D1A gene. It is expected to disrupt RNA splicing. Variants that disrupt the donor or acceptor splice site typically lead to a loss of protein function (PMID: 16199547), and loss-of-function variants in CC2D1A are known to be pathogenic (PMID: 16033914).

Literature cited by the submitters: PubMed 16199547; PubMed 16033914.